The following is an entry in ClinVar:

NM_145117.5(NAV2):c.6112G>A (p.Glu2038Lys)

Gene: NAV2 (neuron navigator 2; plus strand). Cytogenetic location: 11p15.1.
Variant type: single nucleotide variant.
Coding change: c.6112G>A on transcript NM_145117.5 (MANE Select); coding-DNA position 6112, G replaced by A.
Protein change: p.Glu2038Lys; replaces glutamic acid 2038 with lysine.
Molecular consequence: missense variant.
Genome position (GRCh38, 1-based): chr11:20,097,676, G>A. VCF-style: chr11-20097676-G-A. GRCh37 (hg19) VCF-style: chr11-20119222-G-A.
Other names: c.5920G>A, p.Glu1974Lys (NM_001111018.2); c.3304G>A, p.Glu1102Lys (NM_001111019.3); c.6289G>A, p.Glu2097Lys (NM_001244963.2); c.6121G>A, p.Glu2041Lys (NM_182964.6); short protein forms E1102K, E1974K, E2038K, E2041K, E2097K.
Identifiers: ClinVar variation 3033902 (VCV003033902.9), dbSNP rs146720224, ClinGen allele CA5919276.

ClinVar aggregate classification (germline): Likely benign. Review status: criteria provided, single submitter (1 of 4 stars). 2 submissions from 2 submitters: Likely benign (1). 1 of the submissions does not count toward it. Last evaluated 2025-03-01.

Conditions:
NAV2-related disorder. Also called: NAV2-related condition.

Allele frequency attached by ClinVar (database versions not stated): 1000 Genomes Project 0.00180; 1000 Genomes Project 30x 0.00219; TOPMed 0.00312; gnomAD 0.00370; ESP Exome Variant Server 0.00408; ExAC 0.00472.
gnomAD v4.1: 9,375 of 1,613,376 alleles (0.58%); highest among the groups gnomAD compares: Non-Finnish European, 0.72%; 47 homozygotes.

Submissions (2):

CeGaT Center for Human Genetics Tuebingen
Classification: Likely benign. Last evaluated: 2025-03-01. Review status: criteria provided, single submitter. Criteria: CeGaT Center For Human Genetics Tuebingen Variant Classification Criteria Version 2. Collection method: clinical testing. Allele origin: germline. Affected: yes. Observed: 1 variant allele.
Comment: NAV2: BS2

PreventionGenetics, part of Exact Sciences
Classification: Likely benign for NAV2-related condition. Last evaluated: 2019-11-25. Review status: no assertion criteria provided. Collection method: clinical testing. Allele origin: germline. Not counted in ClinVar's aggregate classification.
Comment: This variant is classified as likely benign based on ACMG/AMP sequence variant interpretation guidelines (Richards et al. 2015 PMID: 25741868, with internal and published modifications).